The following is an entry in ClinVar:

NM_016247.4(IMPG2):c.3288G>A (p.Val1096=)

Gene: IMPG2 (interphotoreceptor matrix proteoglycan 2; minus strand). Cytogenetic location: 3q12.3.
Variant type: single nucleotide variant.
Coding change: c.3288G>A on transcript NM_016247.4 (MANE Select); coding-DNA position 3288, G replaced by A.
Protein change: p.Val1096=; no amino-acid change (valine 1096 retained).
Molecular consequence: synonymous variant.
Genome position (GRCh38, 1-based): chr3:101,231,091, C>T on the plus strand (G>A on the coding strand, the complement: IMPG2 is on the minus strand). VCF-style: chr3-101231091-C-T. GRCh37 (hg19) VCF-style: chr3-100949935-C-T.
Identifiers: ClinVar variation 901919 (VCV000901919.15), dbSNP rs190315698, ClinGen allele CA2518789.

ClinVar aggregate classification (germline): Conflicting classifications of pathogenicity. Review status: criteria provided, conflicting classifications (1 of 4 stars). 5 submissions from 5 submitters: Uncertain significance (1); Likely benign (4). Last evaluated 2025-05-09.

Conditions:
Retinitis pigmentosa (RP). Identifiers: Orphanet 791, MedGen C0035334, MeSH D012174, MONDO:0019200, OMIM 268000. Inheritance: Autosomal dominant, autosomal recessive and X linked inheritance.
IMPG2-related disorder. Also called: IMPG2-related condition.
Retinal dystrophy. Also called: Inherited retinal dystrophy. Identifiers: Orphanet 71862, MedGen C0854723, MeSH D058499, MONDO:0019118, HP:0000556.

Allele frequency attached by ClinVar (database versions not stated): gnomAD 0.00004 and 0.00006; TOPMed 0.00006; gnomAD exomes 0.00011; ExAC 0.00014; 1000 Genomes Project 0.00040; 1000 Genomes Project 30x 0.00062.
gnomAD v4.1: 44 of 1,614,168 alleles (0.0027%); highest among the groups gnomAD compares: East Asian, 0.098%; no homozygotes.

Submissions (5):

PreventionGenetics, part of Exact Sciences
Classification: Likely benign for IMPG2-related condition. Last evaluated: 2025-05-09. Review status: criteria provided, single submitter. Criteria: ACMG Guidelines, 2015. Collection method: clinical testing. Allele origin: germline.
Comment: This variant is classified as likely benign based on ACMG/AMP sequence variant interpretation guidelines (Richards et al. 2015 PMID: 25741868, with internal and published modifications).

Labcorp Genetics (formerly Invitae), Labcorp
Classification: Likely benign. Last evaluated: 2025-01-27. Review status: criteria provided, single submitter. Criteria: Invitae Variant Classification Sherloc (09022015). Collection method: clinical testing. Allele origin: germline.

Dept Of Ophthalmology, Nagoya University
Classification: Likely benign for Retinal dystrophy. Last evaluated: 2023-10-01. Review status: criteria provided, single submitter. Criteria: Submitter's publication. Collection method: research. Allele origin: germline. Affected: yes.

Blueprint Genetics
Classification: Likely benign. Last evaluated: 2021-11-05. Review status: criteria provided, single submitter. Criteria: ACMG Guidelines, 2015. Collection method: clinical testing. Allele origin: germline.

Illumina Laboratory Services, Illumina
Classification: Uncertain significance for Retinitis pigmentosa. Last evaluated: 2018-01-13. Review status: criteria provided, single submitter. Criteria: ICSL Variant Classification Criteria 13 December 2019. Collection method: clinical testing. Allele origin: germline.